The following is an entry in ClinVar:

NM_205850.3(SLC24A5):c.92C>T (p.Ser31Phe)

Gene: SLC24A5 (solute carrier family 24 member 5; plus strand). Cytogenetic location: 15q21.1.
Variant type: single nucleotide variant.
Coding change: c.92C>T on transcript NM_205850.3 (MANE Select); coding-DNA position 92, C replaced by T.
Protein change: p.Ser31Phe; replaces serine 31 with phenylalanine.
Molecular consequence: missense variant.
Genome position (GRCh38, 1-based): chr15:48,121,136, C>T. VCF-style: chr15-48121136-C-T. GRCh37 (hg19) VCF-style: chr15-48413333-C-T.
Other names: short protein forms S31F.
Identifiers: ClinVar variation 1981172 (VCV001981172.1), dbSNP rs201294244, ClinGen allele CA7545749.

ClinVar aggregate classification (germline): Uncertain significance (1 of 4 stars; one submission).

Allele frequency attached by ClinVar (database versions not stated): gnomAD exomes 0.00001; ExAC 0.00007; TOPMed 0.00014; ESP Exome Variant Server 0.00015; gnomAD 0.00020; 1000 Genomes Project 30x 0.00047; 1000 Genomes Project 0.00060.
gnomAD v4.1: 45 of 1,613,628 alleles (0.0028%); highest among the groups gnomAD compares: African/African-American, 0.057%; no homozygotes.

Submission:

Labcorp Genetics (formerly Invitae), Labcorp
Classification: Uncertain significance. Last evaluated: 2022-11-01. Review status: criteria provided, single submitter. Criteria: Invitae Variant Classification Sherloc (09022015). Collection method: clinical testing. Allele origin: germline.
Comment: This sequence change replaces serine, which is neutral and polar, with phenylalanine, which is neutral and non-polar, at codon 31 of the SLC24A5 protein (p.Ser31Phe). This variant is present in population databases (rs201294244, gnomAD 0.06%). This variant has not been reported in the literature in individuals affected with SLC24A5-related conditions. Algorithms developed to predict the effect of missense changes on protein structure and function (SIFT, PolyPhen-2, Align-GVGD) all suggest that this variant is likely to be tolerated. In summary, the available evidence is currently insufficient to determine the role of this variant in disease. Therefore, it has been classified as a Variant of Uncertain Significance.